The following is an entry in ClinVar:

ClinVar aggregate classification (germline): Uncertain significance (1 of 4 stars; one submission).

Conditions:
Hereditary cancer-predisposing syndrome. Also called: Neoplastic Syndromes, Hereditary; Hereditary Cancer Syndrome; Hereditary neoplastic syndrome; Tumor predisposition. Identifiers: Orphanet 140162, MedGen C0027672, MeSH D009386, MONDO:0015356.

Allele frequency attached by ClinVar (database versions not stated): gnomAD exomes below 0.00001.

Submission:

Ambry Genetics
Classification: Uncertain significance for Hereditary cancer-predisposing syndrome. Last evaluated: 2023-03-17. Review status: criteria provided, single submitter. Criteria: Ambry Variant Classification Scheme 2023. Collection method: clinical testing. Allele origin: germline.
Comment: The p.V309A variant (also known as c.926T>C), located in coding exon 3 of the PHOX2B gene, results from a T to C substitution at nucleotide position 926. The valine at codon 309 is replaced by alanine, an amino acid with similar properties. This amino acid position is conserved. In addition, the in silico prediction for this alteration is inconclusive. Since supporting evidence is limited at this time, the clinical significance of this alteration remains unclear.

NM_003924.4(PHOX2B):c.926T>C (p.Val309Ala)

Gene: PHOX2B (paired like homeobox 2B; minus strand). Cytogenetic location: 4p13.
Variant type: single nucleotide variant.
Coding change: c.926T>C on transcript NM_003924.4 (MANE Select); coding-DNA position 926, T replaced by C.
Protein change: p.Val309Ala; replaces valine 309 with alanine.
Molecular consequence: missense variant.
Genome position (GRCh38, 1-based): chr4:41,745,826, A>G on the plus strand (T>C on the coding strand, the complement: PHOX2B is on the minus strand). VCF-style: chr4-41745826-A-G. GRCh37 (hg19) VCF-style: chr4-41747843-A-G.
Other names: short protein forms V309A.
Identifiers: ClinVar variation 2561573 (VCV002561573.2), dbSNP rs2552096753, ClinGen allele CA356736687.
Genomic context (GRCh38, chr4:41,745,826, plus strand): 5'-GCCCGCTGTCGCCGCCGCCGCCGCCGCCGCAGGATTCCAGATCAGAACATACTGCTCTTC[A>G]CTAAGGCGGCTTTGGCACCGTTGGGTCTTTGGAGCGAAGATAGGACGCTGGCGAAGGGAC-3'
Protein context (NP_003915.2, residues 299-314): QRPNGAKAAL[Val309Ala]KSSMF